The following is an entry in ClinVar:

NM_001127453.2(GSDME):c.694T>C (p.Phe232Leu)

Gene: GSDME (gasdermin E; minus strand). Cytogenetic location: 7p15.3.
Variant type: single nucleotide variant.
Coding change: c.694T>C on transcript NM_001127453.2 (MANE Select); coding-DNA position 694, T replaced by C.
Protein change: p.Phe232Leu; replaces phenylalanine 232 with leucine.
Molecular consequence: missense variant.
Genome position (GRCh38, 1-based): chr7:24,717,257, A>G on the plus strand (T>C on the coding strand, the complement: GSDME is on the minus strand). VCF-style: chr7-24717257-A-G. GRCh37 (hg19) VCF-style: chr7-24756876-A-G.
Other names: c.202T>C, p.Phe68Leu (NM_001127454.2); c.694T>C, p.Phe232Leu (NM_004403.3); short protein forms F68L, F232L.
Identifiers: ClinVar variation 3781173 (VCV003781173.1).
Genomic context (GRCh38, chr7:24,717,257, plus strand): 5'-TCTGCTGAGGGATCCTCTGCTGGGGATCCCTCAGCACCCATAGGAGGTGGCACTCACCGA[A>G]CTGGCCGTCCAGTTTCACGTATAACTCAATGACACCGTAGGCAATGGTGGTGGCAGCTGG-3'
Protein context (NP_001120925.1, residues 222-242): IELYVKLDGQ[Phe232Leu]EFCLLRGKQG

ClinVar aggregate classification (germline): Uncertain significance (1 of 4 stars; one submission).

gnomAD v4.1: 1 of 1,560,948 alleles (0.000064%); highest among the groups gnomAD compares: East Asian, 0.0024%; no homozygotes.

Submission:

GeneDx
Classification: Uncertain significance. Last evaluated: 2024-10-18. Review status: criteria provided, single submitter. Criteria: GeneDx Variant Classification Process June 2021. Collection method: clinical testing. Allele origin: germline. Affected: yes.
Comment: In silico analysis supports that this missense variant has a deleterious effect on protein structure/function; Has not been previously published as pathogenic or benign to our knowledge